The following is an entry in ClinVar:

ClinVar aggregate classification (germline): Likely benign. Review status: criteria provided, multiple submitters, no conflicts (2 of 4 stars). 2 submissions from 2 submitters: Likely benign (2). Last evaluated 2025-12-30.

Conditions:
Bardet-Biedl syndrome (BBS). Identifiers: Orphanet 110, MedGen C0752166, MONDO:0015229.
BBS2-related disorder. Also called: BBS2-related condition; BBS2-related disorders. Identifiers: MedGen CN239228.

Allele frequency attached by ClinVar (database versions not stated): TOPMed below 0.00001; gnomAD 0.00001; gnomAD exomes 0.00002 and 0.00004.
gnomAD v4.1: 59 of 1,614,020 alleles (0.0037%); highest among the groups gnomAD compares: Non-Finnish European, 0.0048%; no homozygotes.

Submissions (2):

PreventionGenetics, part of Exact Sciences
Classification: Likely benign for BBS2-related condition. Last evaluated: 2025-12-30. Review status: criteria provided, single submitter. Criteria: ACMG Guidelines, 2015. Collection method: clinical testing. Allele origin: germline.
Comment: This variant is classified as likely benign based on ACMG/AMP sequence variant interpretation guidelines (Richards et al. 2015 PMID: 25741868, with internal and published modifications).

Labcorp Genetics (formerly Invitae), Labcorp
Classification: Likely benign for Bardet-Biedl syndrome. Last evaluated: 2023-05-30. Review status: criteria provided, single submitter. Criteria: Invitae Variant Classification Sherloc (09022015). Collection method: clinical testing. Allele origin: germline.

NM_031885.5(BBS2):c.1314C>T (p.Ser438=)

Gene: BBS2 (Bardet-Biedl syndrome 2; minus strand). Cytogenetic location: 16q13.
Variant type: single nucleotide variant.
Coding change: c.1314C>T on transcript NM_031885.5 (MANE Select); coding-DNA position 1314, C replaced by T.
Protein change: p.Ser438=; no amino-acid change (serine 438 retained).
Molecular consequence: synonymous variant. On other transcripts: non-coding transcript variant (2).
Genome position (GRCh38, 1-based): chr16:56,500,937, G>A on the plus strand (C>T on the coding strand, the complement: BBS2 is on the minus strand). VCF-style: chr16-56500937-G-A. GRCh37 (hg19) VCF-style: chr16-56534849-G-A.
Other names: c.1314C>T (NM_031885.3); c.1314C>T, p.Ser438= (NM_001377456.1).
Identifiers: ClinVar variation 1155268 (VCV001155268.11), dbSNP rs1204179948, ClinGen allele CA495586845.